The following is an entry in ClinVar:

ClinVar aggregate classification (germline): Uncertain significance. Review status: criteria provided, multiple submitters, no conflicts (2 of 4 stars). 4 submissions from 3 submitters: Uncertain significance (3). 1 of the submissions does not count toward it. Last evaluated 2024-03-25.

Conditions:
Usher syndrome type 1D (USH1D). Also called: USHER SYNDROME, TYPE ID. Identifiers: Orphanet 231169, Orphanet 886, MedGen C1832845, MONDO:0010984, OMIM 601067.

Submissions (4):

Genomic Medicine Center of Excellence, King Faisal Specialist Hospital and Research Centre
Classification: Uncertain significance for Usher syndrome type 1D. Last evaluated: 2024-03-25. Review status: criteria provided, single submitter. Criteria: ACMG Guidelines, 2015. Collection method: clinical testing. Allele origin: germline.

Blueprint Genetics
Classification: Uncertain significance. Last evaluated: 2024-03-11. Review status: criteria provided, single submitter. Criteria: ACMG Guidelines, 2015. Collection method: clinical testing. Allele origin: germline.

Labcorp Genetics (formerly Invitae), Labcorp
Classification: Uncertain significance. Last evaluated: 2022-06-14. Review status: criteria provided, single submitter. Criteria: Invitae Variant Classification Sherloc (09022015). Collection method: clinical testing. Allele origin: germline.
Comment: In summary, the available evidence is currently insufficient to determine the role of this variant in disease. Therefore, it has been classified as a Variant of Uncertain Significance. Experimental studies and prediction algorithms are not available or were not evaluated, and the functional significance of this variant is currently unknown. ClinVar contains an entry for this variant (Variation ID: 191267). This variant has not been reported in the literature in individuals affected with CDH23-related conditions. This variant is not present in population databases (gnomAD no frequency). This variant, c.9058_9060del, results in the deletion of 1 amino acid(s) of the CDH23 protein (p.Arg3020del), but otherwise preserves the integrity of the reading frame.

Genomic Medicine Center of Excellence, King Faisal Specialist Hospital and Research Centre
Classification: Likely pathogenic. Review status: flagged submission. Criteria: ACMG Guidelines, 2015. Collection method: research. Allele origin: germline. Affected: yes. Not counted in ClinVar's aggregate classification.
ClinVar note: Reason: This record appears to be redundant with a more recent record from the same submitter.
ClinVar note: Notes: SCV000221656 appears to be redundant with SCV004806438.

NM_022124.6(CDH23):c.9058_9060del (p.Arg3020del)

Gene: CDH23 (cadherin related 23; plus strand). Cytogenetic location: 10q22.1.
Variant type: Deletion.
Coding change: c.9058_9060del on transcript NM_022124.6 (MANE Select); coding-DNA positions 9058 to 9060, 3 bases deleted (CGC; older notation c.9058_9060delCGC).
Protein change: p.Arg3020del; deletes arginine 3020.
Molecular consequence: inframe deletion.
Genome position (GRCh38, 1-based): chr10:71,810,550-71,810,552, CGC deleted; deleting any 3 consecutive bases within chr10:71,810,549-71,810,552 gives the same sequence; the c. name uses the placement nearest the transcript's 3' end. VCF-style (leftmost placement, unchanged base first): chr10-71810548-ACCG-A. GRCh37 (hg19) VCF-style: chr10-73570305-ACCG-A.
Other names: c.2338_2340del, p.Arg780del (NM_001171933.1, NM_001171934.1); short protein forms R3020del, R780del.
Identifiers: ClinVar variation 191267 (VCV000191267.8), dbSNP rs786205612, ClinGen allele CA236378.